The following is an entry in ClinVar:

ClinVar aggregate classification (germline): Conflicting classifications of pathogenicity. Review status: criteria provided, conflicting classifications (1 of 4 stars). 10 submissions from 10 submitters: Uncertain significance (1); Benign (4); Likely benign (5). Last evaluated 2026-04-01.

Conditions:
Colorectal cancer, susceptibility to, 12 (CRCS12). Also called: COLORECTAL CANCER, SUSCEPTIBILITY TO, ON CHROMOSOME 12q24. Identifiers: Orphanet 220460, MedGen C3554460, MONDO:0014038, OMIM 615083.
Facial dysmorphism-immunodeficiency-livedo-short stature syndrome. Also called: FILS syndrome; Facial dysmorphism, immunodeficiency, livedo, and short stature. Identifiers: Orphanet 352712, MedGen C3554576, MONDO:0014058, OMIM 615139.
Intrauterine growth retardation, metaphyseal dysplasia, adrenal hypoplasia congenita, genital anomalies, and immunodeficiency. Also called: IMAGEI SYNDROME. Identifiers: MedGen C5193036, MONDO:0032684, OMIM 618336.
Hereditary cancer-predisposing syndrome. Also called: Tumor predisposition; Hereditary neoplastic syndrome; Hereditary Cancer Syndrome; Neoplastic Syndromes, Hereditary. Identifiers: Orphanet 140162, MedGen C0027672, MeSH D009386, MONDO:0015356.
POLD1-related polyposis and colorectal cancer syndrome (CRCS10). Also called: COLORECTAL CANCER, SUSCEPTIBILITY TO, ON CHROMOSOME 19q; Colorectal cancer 10; Colorectal cancer, susceptibility to, 10. Identifiers: Orphanet 220460, MedGen C2675481, MONDO:0012953, OMIM 612591.

Allele frequency attached by ClinVar (database versions not stated): gnomAD 0.00001 and 0.00012; gnomAD exomes 0.00044 and 0.00019; ExAC 0.00061; 1000 Genomes Project 0.00080; 1000 Genomes Project 30x 0.00109; TOPMed 0.00002.
gnomAD v4.1: 285 of 1,591,666 alleles (0.018%); highest among the groups gnomAD compares: South Asian, 0.3%; 2 homozygotes.

Submissions (10):

CeGaT Center for Human Genetics Tuebingen
Classification: Likely benign. Last evaluated: 2026-04-01. Review status: criteria provided, single submitter. Criteria: CeGaT Center For Human Genetics Tuebingen Variant Classification Criteria Version 2. Collection method: clinical testing. Allele origin: germline. Affected: yes. Observed: 2 variant alleles.
Comment: POLE: BS1

Labcorp Genetics (formerly Invitae), Labcorp
Classification: Benign. Last evaluated: 2026-01-28. Review status: criteria provided, single submitter. Criteria: Invitae Variant Classification Sherloc (09022015). Collection method: clinical testing. Allele origin: germline.

Ambry Genetics
Classification: Likely benign for Hereditary cancer-predisposing syndrome. Last evaluated: 2024-06-25. Review status: criteria provided, single submitter. Criteria: Ambry Variant Classification Scheme 2023. Collection method: clinical testing. Allele origin: germline.

Molecular Pathology, Peter Maccallum Cancer Centre
Classification: Likely benign for POLD1-related polyposis and colorectal cancer syndrome. Last evaluated: 2024-04-15. Review status: criteria provided, single submitter. Criteria: ACMG Guidelines, 2015. Collection method: clinical testing. Allele origin: germline. Inheritance: Autosomal dominant inheritance.

Blueprint Genetics
Classification: Likely benign. Last evaluated: 2023-09-18. Review status: criteria provided, single submitter. Criteria: ACMG Guidelines, 2015. Collection method: clinical testing. Allele origin: germline.

Department of Pathology and Laboratory Medicine, Sinai Health System
Classification: Benign for Colorectal cancer, susceptibility to, 12; Facial dysmorphism-immunodeficiency-livedo-short stature syndrome; Intrauterine growth retardation, metaphyseal dysplasia, adrenal hypoplasia congenita, genital anomalies, and immunodeficiency. Last evaluated: 2023-09-18. Review status: criteria provided, single submitter. Criteria: ACMG Guidelines, 2015. Collection method: clinical testing. Allele origin: germline. Affected: no.

Women's Health and Genetics/Laboratory Corporation of America, LabCorp
Classification: Likely benign. Last evaluated: 2022-06-09. Review status: criteria provided, single submitter. Criteria: LabCorp Variant Classification Summary - May 2015. Collection method: clinical testing. Allele origin: germline.

Sema4
Classification: Benign for Hereditary cancer-predisposing syndrome. Last evaluated: 2021-04-22. Review status: criteria provided, single submitter. Criteria: Sema4 Curation Guidelines. Collection method: curation. Allele origin: germline.

GeneDx
Classification: Uncertain significance. Last evaluated: 2019-11-04. Review status: criteria provided, single submitter. Criteria: GeneDx Variant Classification Process June 2021. Collection method: clinical testing. Allele origin: germline. Affected: yes.
Comment: In silico analysis, which includes protein predictors and evolutionary conservation, supports a deleterious effect; Has not been previously published as a germline pathogenic or benign variant to our knowledge; This variant is associated with the following publications: (PMID: 26748215, 29056344, 28427513)

Quest Diagnostics Nichols Institute San Juan Capistrano
Classification: Benign. Last evaluated: 2018-02-19. Review status: criteria provided, single submitter. Criteria: Quest Diagnostics criteria. Collection method: clinical testing. Allele origin: germline.

NM_006231.4(POLE):c.4555C>T (p.Arg1519Cys)

Gene: POLE (DNA polymerase epsilon, catalytic subunit; minus strand). Cytogenetic location: 12q24.33.
Variant type: single nucleotide variant.
Coding change: c.4555C>T on transcript NM_006231.4 (MANE Select); coding-DNA position 4555, C replaced by T.
Protein change: p.Arg1519Cys; replaces arginine 1519 with cysteine.
Molecular consequence: missense variant.
Genome position (GRCh38, 1-based): chr12:132,642,993, G>A on the plus strand (C>T on the coding strand, the complement: POLE is on the minus strand). VCF-style: chr12-132642993-G-A. GRCh37 (hg19) VCF-style: chr12-133219579-G-A.
Other names: c.4555C>T (NM_006231.2); short protein forms R1519C.
Identifiers: ClinVar variation 413538 (VCV000413538.37), dbSNP rs542430685, ClinGen allele CA6892778.
Genomic context (GRCh38, chr12:132,642,993, plus strand): 5'-CCAGGAGGAGGCCGTGCTCTGCTGAGTACAGGGCGCCAAGGCTGGGCATCTGGTTGCTGC[G>A]CACCTAGACCAACGCAGGCCACGTCAGCCTCCCCCTGCGCAGGAGGAAGTGGGGGCAGCC-3'
Protein context (NP_006222.2, residues 1509-1529): RASVFVLDTV[Arg1519Cys]SNQMPSLGAL